The following is an entry in ClinVar:

NM_015047.3(EMC1):c.593A>T (p.Asn198Ile)

Gene: EMC1 (ER membrane protein complex subunit 1; minus strand). Cytogenetic location: 1p36.13.
Variant type: single nucleotide variant.
Coding change: c.593A>T on transcript NM_015047.3 (MANE Select); coding-DNA position 593, A replaced by T.
Protein change: p.Asn198Ile; replaces asparagine 198 with isoleucine.
Molecular consequence: missense variant.
Genome position (GRCh38, 1-based): chr1:19,241,059, T>A on the plus strand (A>T on the coding strand, the complement: EMC1 is on the minus strand). VCF-style: chr1-19241059-T-A. GRCh37 (hg19) VCF-style: chr1-19567553-T-A.
Other names: c.593A>T, p.Asn198Ile (NM_001271427.2, NM_001271428.2, NM_001375820.1 and 1 more transcripts); c.527A>T, p.Asn176Ile (NM_001271429.2); short protein forms N176I, N198I.
Identifiers: ClinVar variation 1486095 (VCV001486095.8), dbSNP rs1231657927, ClinGen allele CA338770032.

ClinVar aggregate classification (germline): Uncertain significance (1 of 4 stars; one submission).

Submission:

Labcorp Genetics (formerly Invitae), Labcorp
Classification: Uncertain significance. Last evaluated: 2022-06-20. Review status: criteria provided, single submitter. Criteria: Invitae Variant Classification Sherloc (09022015). Collection method: clinical testing. Allele origin: germline.
Comment: In summary, the available evidence is currently insufficient to determine the role of this variant in disease. Therefore, it has been classified as a Variant of Uncertain Significance. Algorithms developed to predict the effect of missense changes on protein structure and function (SIFT, PolyPhen-2, Align-GVGD) all suggest that this variant is likely to be tolerated. This variant has not been reported in the literature in individuals affected with EMC1-related conditions. This variant is not present in population databases (gnomAD no frequency). This sequence change replaces asparagine, which is neutral and polar, with isoleucine, which is neutral and non-polar, at codon 198 of the EMC1 protein (p.Asn198Ile).